The following is an entry in ClinVar:

NM_001284230.2(MAP3K9):c.294G>A (p.Gln98=)

Genes: MAP3K9 (mitogen-activated protein kinase kinase kinase 9; minus strand), MAP3K9-DT (MAP3K9 divergent transcript; plus strand). Cytogenetic location: 14q24.2.
Variant type: single nucleotide variant.
Coding change: c.294G>A on transcript NM_001284230.2 (MANE Select); coding-DNA position 294, G replaced by A.
Protein change: p.Gln98=; no amino-acid change (glutamine 98 retained).
Molecular consequence: synonymous variant. On other transcripts: non-coding transcript variant (2).
Genome position (GRCh38, 1-based): chr14:70,808,878, C>T on the plus strand (G>A on the coding strand, the complement: MAP3K9 is on the minus strand). VCF-style: chr14-70808878-C-T. GRCh37 (hg19) VCF-style: chr14-71275595-C-T.
Other names: c.294G>A, p.Gln98= (NM_033141.4).
Identifiers: ClinVar variation 2644347 (VCV002644347.24), dbSNP rs773676020, ClinGen allele CA7250432.

ClinVar aggregate classification (germline): Likely benign (1 of 4 stars; one submission).

Allele frequency attached by ClinVar (database versions not stated): gnomAD exomes 0.00001; ExAC 0.00003.
gnomAD v4.1: 4 of 1,599,552 alleles (0.00025%); highest among the groups gnomAD compares: South Asian, 0.0045%; no homozygotes.

Submission:

CeGaT Center for Human Genetics Tuebingen
Classification: Likely benign. Last evaluated: 2022-04-01. Review status: criteria provided, single submitter. Criteria: CeGaT Center For Human Genetics Tuebingen Variant Classification Criteria Version 2. Collection method: clinical testing. Allele origin: germline. Affected: yes. Observed: 1 variant allele.
Comment: MAP3K9: BP4, BP7